The following is an entry in ClinVar:

ClinVar aggregate classification (germline): Conflicting classifications of pathogenicity. Review status: criteria provided, conflicting classifications (1 of 4 stars). 5 submissions from 5 submitters: Uncertain significance (1); Benign (2); Likely benign (1). 1 of the submissions does not count toward it. Last evaluated 2025-05-01.

Conditions:
ASXL3-related disorder. Also called: ASXL3-related condition. Identifiers: MedGen CN381524.

Allele frequency attached by ClinVar (database versions not stated): TOPMed 0.00045; ExAC 0.00048; gnomAD exomes 0.00056 and 0.00014; 1000 Genomes Project 0.00160; 1000 Genomes Project 30x 0.00172; ESP Exome Variant Server 0.00008; gnomAD 0.00034 and 0.00036.
gnomAD v4.1: 391 of 1,613,512 alleles (0.024%); highest among the groups gnomAD compares: East Asian, 0.49%; 7 homozygotes.

Submissions (5):

CeGaT Center for Human Genetics Tuebingen
Classification: Benign. Last evaluated: 2025-05-01. Review status: criteria provided, single submitter. Criteria: CeGaT Center For Human Genetics Tuebingen Variant Classification Criteria Version 2. Collection method: clinical testing. Allele origin: germline. Affected: yes. Observed: 1 variant allele.
Comment: ASXL3: BS1, BS2

Blueprint Genetics
Classification: Likely benign. Last evaluated: 2024-11-27. Review status: criteria provided, single submitter. Criteria: ACMG Guidelines, 2015. Collection method: clinical testing. Allele origin: germline.

GeneDx
Classification: Benign. Last evaluated: 2020-05-09. Review status: criteria provided, single submitter. Criteria: GeneDx Variant Classification Process June 2021. Collection method: clinical testing. Allele origin: germline. Affected: yes.

Genetic Services Laboratory, University of Chicago
Classification: Uncertain significance. Last evaluated: 2015-02-26. Review status: criteria provided, single submitter. Criteria: ACMG Guidelines, 2015. Collection method: clinical testing. Allele origin: germline.

PreventionGenetics, part of Exact Sciences
Classification: Benign for ASXL3-related condition. Last evaluated: 2020-04-22. Review status: no assertion criteria provided. Collection method: clinical testing. Allele origin: germline. Not counted in ClinVar's aggregate classification.
Comment: This variant is classified as benign based on ACMG/AMP sequence variant interpretation guidelines (Richards et al. 2015 PMID: 25741868, with internal and published modifications).

NM_030632.3(ASXL3):c.1925C>T (p.Pro642Leu)

Gene: ASXL3 (ASXL transcriptional regulator 3; plus strand). Cytogenetic location: 18q12.1.
Variant type: single nucleotide variant.
Coding change: c.1925C>T on transcript NM_030632.3 (MANE Select); coding-DNA position 1925, C replaced by T.
Protein change: p.Pro642Leu; replaces proline 642 with leucine.
Molecular consequence: missense variant.
Genome position (GRCh38, 1-based): chr18:33,739,329, C>T. VCF-style: chr18-33739329-C-T. GRCh37 (hg19) VCF-style: chr18-31319293-C-T.
Other names: c.1925C>T (NM_030632.2); short protein forms P642L.
Identifiers: ClinVar variation 210368 (VCV000210368.21), dbSNP rs189786599, ClinGen allele CA209303.